The following is an entry in ClinVar:

NM_033026.6(PCLO):c.12097T>G (p.Ser4033Ala)

Gene: PCLO (piccolo presynaptic cytomatrix protein; minus strand). Cytogenetic location: 7q21.11.
Variant type: single nucleotide variant.
Coding change: c.12097T>G on transcript NM_033026.6 (MANE Select); coding-DNA position 12097, T replaced by G.
Protein change: p.Ser4033Ala; replaces serine 4033 with alanine.
Molecular consequence: missense variant.
Genome position (GRCh38, 1-based): chr7:82,915,889, A>C on the plus strand (T>G on the coding strand, the complement: PCLO is on the minus strand). VCF-style: chr7-82915889-A-C. GRCh37 (hg19) VCF-style: chr7-82545205-A-C.
Other names: c.12097T>G, p.Ser4033Ala (NM_014510.3); short protein forms S4033A.
Identifiers: ClinVar variation 1713670 (VCV001713670.5), dbSNP rs767192175, ClinGen allele CA367890291.
Genomic context (GRCh38, chr7:82,915,889, plus strand): 5'-CAATGTCGTCAATTAGGACATAATTTCGTGGAGTATGGTGATCAATATCTGCATAGAAAG[A>C]ATCTGCAGATATGCTTGATATTGGACTGCTTGCCATGCTACTTCTTTCCTCCAAACCTAT-3'
Protein context (NP_149015.2, residues 4023-4043): SSPISSISAD[Ser4033Ala]FYADIDHHTP

ClinVar aggregate classification (germline): Uncertain significance (1 of 4 stars; one submission).

Submission:

Labcorp Genetics (formerly Invitae), Labcorp
Classification: Uncertain significance. Last evaluated: 2022-07-24. Review status: criteria provided, single submitter. Criteria: Invitae Variant Classification Sherloc (09022015). Collection method: clinical testing. Allele origin: germline.
Comment: This sequence change replaces serine, which is neutral and polar, with alanine, which is neutral and non-polar, at codon 4033 of the PCLO protein (p.Ser4033Ala). In summary, the available evidence is currently insufficient to determine the role of this variant in disease. Therefore, it has been classified as a Variant of Uncertain Significance. Algorithms developed to predict the effect of missense changes on protein structure and function are either unavailable or do not agree on the potential impact of this missense change (SIFT: "Deleterious"; PolyPhen-2: "Not Available"; Align-GVGD: "Class C0"). This variant has not been reported in the literature in individuals affected with PCLO-related conditions. This variant is not present in population databases (gnomAD no frequency).